The following is an entry in ClinVar:

NM_002471.4(MYH6):c.4070C>T (p.Ala1357Val)

Gene: MYH6 (myosin heavy chain 6; minus strand). Cytogenetic location: 14q11.2.
Variant type: single nucleotide variant.
Coding change: c.4070C>T on transcript NM_002471.4 (MANE Select); coding-DNA position 4070, C replaced by T.
Protein change: p.Ala1357Val; replaces alanine 1357 with valine.
Molecular consequence: missense variant.
Genome position (GRCh38, 1-based): chr14:23,388,964, G>A on the plus strand (C>T on the coding strand, the complement: MYH6 is on the minus strand). VCF-style: chr14-23388964-G-A. GRCh37 (hg19) VCF-style: chr14-23858173-G-A.
Other names: short protein forms A1357V.
Identifiers: ClinVar variation 1737548 (VCV001737548.2), dbSNP rs751281277, ClinGen allele CA7114938.
Genomic context (GRCh38, chr14:23,388,964, plus strand): 5'-TACTTGGTCCTCCACTGGGCCACCTCCGAGTTGGCCTTGGACAGGACGCGCTGCAGCTCG[G>A]CCTTGGCCTCTGTCTCCTCCTCGTACTGCTCCCGCAGCAGGTCGCAGTCATGCCGGGCCG-3'
Protein context (NP_002462.2, residues 1347-1367): EQYEEETEAK[Ala1357Val]ELQRVLSKAN

ClinVar aggregate classification (germline): Uncertain significance (1 of 4 stars; one submission).

Conditions:
Cardiovascular phenotype. Identifiers: MedGen CN230736.

Allele frequency attached by ClinVar (database versions not stated): ExAC 0.00001; gnomAD exomes 0.00001; gnomAD 0.00002; TOPMed 0.00002.

Submission:

Ambry Genetics
Classification: Uncertain significance for Cardiovascular phenotype. Last evaluated: 2021-04-14. Review status: criteria provided, single submitter. Criteria: Ambry Variant Classification Scheme 2023. Collection method: clinical testing. Allele origin: germline.
Comment: The p.A1357V variant (also known as c.4070C>T), located in coding exon 27 of the MYH6 gene, results from a C to T substitution at nucleotide position 4070. The alanine at codon 1357 is replaced by valine, an amino acid with similar properties. This amino acid position is well conserved in available vertebrate species. In addition, this alteration is predicted to be tolerated by in silico analysis. Since supporting evidence is limited at this time, the clinical significance of this alteration remains unclear.